The following is an entry in ClinVar:

NM_152384.3(BBS5):c.718G>A (p.Val240Met)

Gene: BBS5 (Bardet-Biedl syndrome 5; plus strand). Cytogenetic location: 2q31.1.
Variant type: single nucleotide variant.
Coding change: c.718G>A on transcript NM_152384.3 (MANE Select); coding-DNA position 718, G replaced by A.
Protein change: p.Val240Met; replaces valine 240 with methionine.
Molecular consequence: missense variant.
Genome position (GRCh38, 1-based): chr2:169,499,522, G>A. VCF-style: chr2-169499522-G-A. GRCh37 (hg19) VCF-style: chr2-170356032-G-A.
Other names: short protein forms V240M.
Identifiers: ClinVar variation 3690966 (VCV003690966.2).
Genomic context (GRCh38, chr2:169,499,522, plus strand): 5'-TTTTTATTATTTTTTCTCTTGTAGAGTGGTGGATATGTTCTTGGCTTTAAAATAGATCCT[G>A]TGGAAAAACTACAAGAATCAGTTAAGGAAATCAATTCACTTCACAAAGTCTATTCTGCCA-3'
Protein context (NP_689597.1, residues 230-250): GYVLGFKIDP[Val240Met]EKLQESVKEI

ClinVar aggregate classification (germline): Uncertain significance (1 of 4 stars; one submission).

Conditions:
Bardet-Biedl syndrome (BBS). Identifiers: Orphanet 110, MedGen C0752166, MONDO:0015229.

Submission:

Labcorp Genetics (formerly Invitae), Labcorp
Classification: Uncertain significance for Bardet-Biedl syndrome. Last evaluated: 2025-01-08. Review status: criteria provided, single submitter. Criteria: Invitae Variant Classification Sherloc (09022015). Collection method: clinical testing. Allele origin: germline.
Comment: This sequence change replaces valine, which is neutral and non-polar, with methionine, which is neutral and non-polar, at codon 240 of the BBS5 protein (p.Val240Met). This variant is present in population databases (rs760804890, gnomAD 0.0009%). This variant has not been reported in the literature in individuals affected with BBS5-related conditions. Invitae Evidence Modeling of protein sequence and biophysical properties (such as structural, functional, and spatial information, amino acid conservation, physicochemical variation, residue mobility, and thermodynamic stability) indicates that this missense variant is not expected to disrupt BBS5 protein function with a negative predictive value of 80%. In summary, the available evidence is currently insufficient to determine the role of this variant in disease. Therefore, it has been classified as a Variant of Uncertain Significance.